The following is an entry in ClinVar:

ClinVar aggregate classification (germline): Uncertain significance (1 of 4 stars; one submission).

Conditions:
Hereditary cancer-predisposing syndrome. Also called: Neoplastic Syndromes, Hereditary; Tumor predisposition; Hereditary Cancer Syndrome; Hereditary neoplastic syndrome. Identifiers: Orphanet 140162, MedGen C0027672, MeSH D009386, MONDO:0015356.

Submission:

Ambry Genetics
Classification: Uncertain significance for Hereditary cancer-predisposing syndrome. Last evaluated: 2022-09-21. Review status: criteria provided, single submitter. Criteria: Ambry Variant Classification Scheme 2023. Collection method: clinical testing. Allele origin: germline.
Comment: The p.V280L variant (also known as c.838G>T), located in coding exon 7 of the MRE11A gene, results from a G to T substitution at nucleotide position 838. The valine at codon 280 is replaced by leucine, an amino acid with highly similar properties. This amino acid position is conserved. In addition, this alteration is predicted to be tolerated by in silico analysis. Since supporting evidence is limited at this time, the clinical significance of this alteration remains unclear.

NM_005591.4(MRE11):c.838G>T (p.Val280Leu)

Gene: MRE11 (MRE11 double strand break repair nuclease; minus strand). Cytogenetic location: 11q21.
Variant type: single nucleotide variant.
Coding change: c.838G>T on transcript NM_005591.4 (MANE Select); coding-DNA position 838, G replaced by T.
Protein change: p.Val280Leu; replaces valine 280 with leucine.
Molecular consequence: missense variant.
Genome position (GRCh38, 1-based): chr11:94,471,581, C>A on the plus strand (G>T on the coding strand, the complement: MRE11 is on the minus strand). VCF-style: chr11-94471581-C-A. GRCh37 (hg19) VCF-style: chr11-94204747-C-A.
Other names: c.838G>T, p.Val280Leu (NM_001330347.2, NM_005590.4); short protein forms V280L.
Identifiers: ClinVar variation 1799961 (VCV001799961.2), dbSNP rs755762623, ClinGen allele CA382375458.